The following is an entry in ClinVar:

ClinVar aggregate classification (germline): Uncertain significance (0 of 4 stars; one submission).

Conditions:
IGF2-related disorder. Also called: IGF2-related condition.

Submission:

PreventionGenetics, part of Exact Sciences
Classification: Uncertain significance for IGF2-related condition. Last evaluated: 2024-09-16. Review status: no assertion criteria provided. Collection method: clinical testing. Allele origin: germline.
Comment: The IGF2 c.496C>A variant is predicted to result in the amino acid substitution p.Pro166Thr. To our knowledge, this variant has not been reported in the literature or in a large population database, indicating this variant is rare. At this time, the clinical significance of this variant is uncertain due to the absence of conclusive functional and genetic evidence.

NM_000612.6(IGF2):c.496C>A (p.Pro166Thr)

Genes: IGF2 (insulin like growth factor 2; minus strand), INS-IGF2 (INS-IGF2 readthrough; minus strand). Cytogenetic location: 11p15.5.
Variant type: single nucleotide variant.
Coding change: c.496C>A on transcript NM_000612.6 (MANE Select); coding-DNA position 496, C replaced by A.
Protein change: p.Pro166Thr; replaces proline 166 with threonine.
Molecular consequence: missense variant. On other transcripts: non-coding transcript variant (1).
Genome position (GRCh38, 1-based): chr11:2,133,034, G>T on the plus strand (C>A on the coding strand, the complement: IGF2 is on the minus strand). VCF-style: chr11-2133034-G-T. GRCh37 (hg19) VCF-style: chr11-2154264-G-T.
Other names: c.496C>A, p.Pro166Thr (NM_001007139.6, NM_001291861.3, NM_001291862.3); c.664C>A, p.Pro222Thr (NM_001127598.3); short protein forms P166T, P222T.
Identifiers: ClinVar variation 3347375 (VCV003347375.1).